The following is an entry in ClinVar:

ClinVar aggregate classification (germline): Conflicting classifications of pathogenicity. Review status: criteria provided, conflicting classifications (1 of 4 stars). 3 submissions from 3 submitters: Uncertain significance (2); Likely benign (1). Last evaluated 2026-01-14.

Conditions:
Tuberous sclerosis 1 (TSC1). Identifiers: Orphanet 805, MedGen C1854465, MONDO:0008612, OMIM 191100.
Hereditary cancer-predisposing syndrome. Also called: Hereditary neoplastic syndrome; Neoplastic Syndromes, Hereditary; Tumor predisposition; Hereditary Cancer Syndrome. Identifiers: Orphanet 140162, MedGen C0027672, MeSH D009386, MONDO:0015356.

Allele frequency attached by ClinVar (database versions not stated): gnomAD exomes below 0.00001.
gnomAD v4.1: 1 of 1,614,120 alleles (0.000062%); highest among the groups gnomAD compares: Non-Finnish European, 0.000085%; no homozygotes.

Submissions (3):

Labcorp Genetics (formerly Invitae), Labcorp
Classification: Likely benign for Tuberous sclerosis 1. Last evaluated: 2026-01-14. Review status: criteria provided, single submitter. Criteria: Invitae Variant Classification Sherloc (09022015). Collection method: clinical testing. Allele origin: germline.

Ambry Genetics
Classification: Uncertain significance for Hereditary cancer-predisposing syndrome. Last evaluated: 2024-06-03. Review status: criteria provided, single submitter. Criteria: Ambry Variant Classification Scheme 2023. Collection method: clinical testing. Allele origin: germline.
Comment: The p.R1055M variant (also known as c.3164G>T), located in coding exon 21 of the TSC1 gene, results from a G to T substitution at nucleotide position 3164. The arginine at codon 1055 is replaced by methionine, an amino acid with similar properties. This amino acid position is well conserved in available vertebrate species. In addition, the in silico prediction for this alteration is inconclusive. Based on the available evidence, the clinical significance of this variant remains unclear.

Sema4
Classification: Uncertain significance for Hereditary cancer-predisposing syndrome. Last evaluated: 2022-01-12. Review status: criteria provided, single submitter. Criteria: Sema4 Curation Guidelines. Collection method: curation. Allele origin: germline.
Comment: The TSC1 c.3164G>T (p.R1055M) variant has not been reported in the literature to our knowledge. It was observed in 1/113622 chromosomes of the European (non-Finnish) subpopulation, in the large and broad cohorts of the Genome Aggregation Database (PMID: 32461654). This variant has been reported in ClinVar (Variation ID 466121). Functional studies have not been performed, and in silico predictions of the variant's effect on protein function are inconclusive. The evidence is insufficient to meet ACMG/AMP criteria for classifying the variant as benign or pathogenic. Thus, the clinical significance of this variant is currently uncertain.

NM_000368.5(TSC1):c.3164G>T (p.Arg1055Met)

Gene: TSC1 (TSC complex subunit 1; minus strand). Cytogenetic location: 9q34.13.
Variant type: single nucleotide variant.
Coding change: c.3164G>T on transcript NM_000368.5 (MANE Select); coding-DNA position 3164, G replaced by T.
Protein change: p.Arg1055Met; replaces arginine 1055 with methionine.
Molecular consequence: missense variant.
Genome position (GRCh38, 1-based): chr9:132,896,566, C>A on the plus strand (G>T on the coding strand, the complement: TSC1 is on the minus strand). VCF-style: chr9-132896566-C-A. GRCh37 (hg19) VCF-style: chr9-135771953-C-A.
Other names: c.3161G>T, p.Arg1054Met (NM_001162426.2); c.3011G>T, p.Arg1004Met (NM_001162427.2); c.2801G>T, p.Arg934Met (NM_001362177.2); short protein forms R1055M, R1054M, R934M, R1004M.
Identifiers: ClinVar variation 466121 (VCV000466121.16), dbSNP rs1167652701, ClinGen allele CA375367179.